The following is an entry in ClinVar:

ClinVar aggregate classification (germline): Uncertain significance (1 of 4 stars; one submission).

Conditions:
Aortic aneurysm, familial thoracic 6 (AAT6). Also called: FAMILIAL THORACIC AORTIC ANEURYSM WITH LIVEDO RETICULARIS AND IRIS FLOCCULI. Identifiers: MedGen C2673186, MONDO:0012730, OMIM 611788.

Submission:

Labcorp Genetics (formerly Invitae), Labcorp
Classification: Uncertain significance for Aortic aneurysm, familial thoracic 6. Last evaluated: 2024-04-25. Review status: criteria provided, single submitter. Criteria: Invitae Variant Classification Sherloc (09022015). Collection method: clinical testing. Allele origin: germline.
Comment: This sequence change replaces glycine, which is neutral and non-polar, with isoleucine, which is neutral and non-polar, at codon 38 of the ACTA2 protein (p.Gly38Ile). Information on the frequency of this variant in the gnomAD database is not available, as this variant may be reported differently in the database. This variant has not been reported in the literature in individuals affected with ACTA2-related conditions. An algorithm developed to predict the effect of missense changes on protein structure and function (PolyPhen-2) suggests that this variant is likely to be disruptive. In summary, the available evidence is currently insufficient to determine the role of this variant in disease. Therefore, it has been classified as a Variant of Uncertain Significance.

NM_001613.4(ACTA2):c.112_113delinsAT (p.Gly38Ile)

Gene: ACTA2 (actin alpha 2, smooth muscle; minus strand). Cytogenetic location: 10q23.31.
Variant type: Indel.
Coding change: c.112_113delinsAT on transcript NM_001613.4 (MANE Select); coding-DNA positions 112 to 113, GG replaced by AT.
Protein change: p.Gly38Ile; replaces glycine 38 with isoleucine.
Molecular consequence: missense variant.
Genome position (GRCh38, 1-based): chr10:88,948,818-88,948,819, CC replaced by AT on the plus strand (GG replaced by AT on the coding strand, the reverse complement: ACTA2 is on the minus strand). VCF-style: chr10-88948818-CC-AT. GRCh37 (hg19) VCF-style: chr10-90708575-CC-AT.
Other names: c.112_113delinsAT, p.Gly38Ile (NM_001141945.3, NM_001320855.2, NM_001406462.1 and 7 more transcripts); short protein forms G38I.
Identifiers: ClinVar variation 3650797 (VCV003650797.2).